The following is an entry in ClinVar:

ClinVar aggregate classification (germline): Uncertain significance. Review status: criteria provided, multiple submitters, no conflicts (2 of 4 stars). 2 submissions from 2 submitters: Uncertain significance (2). Last evaluated 2024-02-28.

Conditions:
Inborn genetic diseases. Identifiers: MedGen C0950123, MeSH D030342.

gnomAD v4.1: 2 of 1,613,918 alleles (0.00012%); no homozygotes.

Submissions (2):

Ambry Genetics
Classification: Uncertain significance for Inborn genetic diseases. Last evaluated: 2024-02-28. Review status: criteria provided, single submitter. Criteria: Ambry Variant Classification Scheme 2023. Collection method: clinical testing. Allele origin: germline.

Labcorp Genetics (formerly Invitae), Labcorp
Classification: Uncertain significance. Last evaluated: 2022-03-27. Review status: criteria provided, single submitter. Criteria: Invitae Variant Classification Sherloc (09022015). Collection method: clinical testing. Allele origin: germline.
Comment: This sequence change replaces alanine, which is neutral and non-polar, with valine, which is neutral and non-polar, at codon 497 of the POP1 protein (p.Ala497Val). In summary, the available evidence is currently insufficient to determine the role of this variant in disease. Therefore, it has been classified as a Variant of Uncertain Significance. Algorithms developed to predict the effect of missense changes on protein structure and function are either unavailable or do not agree on the potential impact of this missense change (SIFT: "Tolerated"; PolyPhen-2: "Possibly Damaging"; Align-GVGD: "Class C0"). This variant has not been reported in the literature in individuals affected with POP1-related conditions. This variant is not present in population databases (gnomAD no frequency).

NM_001145860.2(POP1):c.1490C>T (p.Ala497Val)

Gene: POP1 (POP1 ribonuclease P/MRP subunit; plus strand). Cytogenetic location: 8q22.2.
Variant type: single nucleotide variant.
Coding change: c.1490C>T on transcript NM_001145860.2 (MANE Select); coding-DNA position 1490, C replaced by T.
Protein change: p.Ala497Val; replaces alanine 497 with valine.
Molecular consequence: missense variant.
Genome position (GRCh38, 1-based): chr8:98,140,784, C>T. VCF-style: chr8-98140784-C-T. GRCh37 (hg19) VCF-style: chr8-99153012-C-T.
Other names: c.1490C>T, p.Ala497Val (NM_001145861.2, NM_015029.3); c.1490C>T (NM_015029.2); short protein forms A497V.
Identifiers: ClinVar variation 2118181 (VCV002118181.5), dbSNP rs746810964, ClinGen allele CA4820605.